The following is an entry in ClinVar:

ClinVar aggregate classification (germline): Benign/Likely benign. Review status: criteria provided, multiple submitters, no conflicts (2 of 4 stars). 2 submissions from 2 submitters: Benign (1); Likely benign (1). Last evaluated 2026-06-25.

Conditions:
Hereditary cancer-predisposing syndrome. Also called: Neoplastic Syndromes, Hereditary; Tumor predisposition; Hereditary Cancer Syndrome; Hereditary neoplastic syndrome. Identifiers: Orphanet 140162, MedGen C0027672, MeSH D009386, MONDO:0015356.
Retinoblastoma (RB1). Also called: RETINOBLASTOMA, SOMATIC. Identifiers: Orphanet 790, MedGen C0035335, MeSH D012175, MONDO:0008380, OMIM 180200, HP:0009919. Disease mechanism: loss of function. Inheritance: Both sporadic and heritable forms are tested..

Submissions (2):

Myriad Genetics, Inc.
Classification: Benign for Retinoblastoma. Last evaluated: 2026-06-25. Review status: criteria provided, single submitter. Criteria: Myriad Autosomal Dominant, Autosomal Recessive and X-Linked Classification Criteria (2023). Collection method: clinical testing. Allele origin: unknown.
Comment: This variant is considered benign. This variant is a silent/synonymous amino acid change and it is not expected to impact splicing.

Ambry Genetics
Classification: Likely benign for Hereditary cancer-predisposing syndrome. Last evaluated: 2025-04-19. Review status: criteria provided, single submitter. Criteria: Ambry Variant Classification Scheme 2023. Collection method: clinical testing. Allele origin: germline.

NM_000321.3(RB1):c.2223T>G (p.Arg741=)

Gene: RB1 (RB transcriptional corepressor 1; plus strand). Cytogenetic location: 13q14.2.
Variant type: single nucleotide variant.
Coding change: c.2223T>G on transcript NM_000321.3 (MANE Select); coding-DNA position 2223, T replaced by G.
Protein change: p.Arg741=; no amino-acid change (arginine 741 retained).
Molecular consequence: synonymous variant.
Genome position (GRCh38, 1-based): chr13:48,465,009, T>G. VCF-style: chr13-48465009-T-G. GRCh37 (hg19) VCF-style: chr13-49039145-T-G.
Other names: c.2223T>G, p.Arg741= (NM_001407165.1).
Identifiers: ClinVar variation 3943314 (VCV003943314.2).
Genomic context (GRCh38, chr13:48,465,009, plus strand): 5'-TAAATTTTACTTTTTTTTTTTTTTTTTTTTTTTTACTGTTCTTCCTCAGACATTCAAACG[T>G]GTTTTGATCAAAGAAGAGGAGTATGATTCTATTATAGTATTCTATAACTCGGTCTTCATG-3'
Protein context (NP_000312.2, residues 731-751): LPHAVQETFK[Arg741=]VLIKEEEYDS